The following is an entry in ClinVar:

NM_001206927.2(DNAH8):c.14024G>A (p.Arg4675Gln)

Gene: DNAH8 (dynein axonemal heavy chain 8; plus strand). Cytogenetic location: 6p21.2.
Variant type: single nucleotide variant.
Coding change: c.14024G>A on transcript NM_001206927.2 (MANE Select); coding-DNA position 14024, G replaced by A.
Protein change: p.Arg4675Gln; replaces arginine 4675 with glutamine.
Molecular consequence: missense variant.
Genome position (GRCh38, 1-based): chr6:39,030,292, G>A. VCF-style: chr6-39030292-G-A. GRCh37 (hg19) VCF-style: chr6-38998068-G-A.
Other names: c.14024G>A (NM_001206927.1); c.13373G>A, p.Arg4458Gln (NM_001371.4); short protein forms R4675Q, R4458Q.
Identifiers: ClinVar variation 3703334 (VCV003703334.1).

ClinVar aggregate classification (germline): Uncertain significance. Review status: criteria provided, multiple submitters, no conflicts (2 of 4 stars). 2 submissions from 2 submitters: Uncertain significance (2). Last evaluated 2025-12-08.

Conditions:
Primary ciliary dyskinesia. Also called: Ciliary dyskinesia. Identifiers: Orphanet 244, MedGen C0008780, MONDO:0016575, HP:0012265.

gnomAD v4.1: 88 of 1,613,960 alleles (0.0055%); highest among the groups gnomAD compares: Admixed American, 0.093%; no homozygotes.

Submissions (2):

Ambry Genetics
Classification: Uncertain significance. Last evaluated: 2025-12-08. Review status: criteria provided, single submitter. Criteria: Ambry Variant Classification Scheme 2023. Collection method: clinical testing. Allele origin: germline.

Labcorp Genetics (formerly Invitae), Labcorp
Classification: Uncertain significance for Primary ciliary dyskinesia. Last evaluated: 2025-01-28. Review status: criteria provided, single submitter. Criteria: Invitae Variant Classification Sherloc (09022015). Collection method: clinical testing. Allele origin: germline.
Comment: This sequence change replaces arginine, which is basic and polar, with glutamine, which is neutral and polar, at codon 4675 of the DNAH8 protein (p.Arg4675Gln). This variant is present in population databases (rs771990678, gnomAD 0.1%). This variant has not been reported in the literature in individuals affected with DNAH8-related conditions. Invitae Evidence Modeling of protein sequence and biophysical properties (such as structural, functional, and spatial information, amino acid conservation, physicochemical variation, residue mobility, and thermodynamic stability) indicates that this missense variant is expected to disrupt DNAH8 protein function with a positive predictive value of 80%. In summary, the available evidence is currently insufficient to determine the role of this variant in disease. Therefore, it has been classified as a Variant of Uncertain Significance.